The following is an entry in ClinVar:

NM_006005.3(WFS1):c.1070T>C (p.Met357Thr)

Gene: WFS1 (wolframin ER transmembrane glycoprotein; plus strand). Cytogenetic location: 4p16.1.
Variant type: single nucleotide variant.
Coding change: c.1070T>C on transcript NM_006005.3 (MANE Select); coding-DNA position 1070, T replaced by C.
Protein change: p.Met357Thr; replaces methionine 357 with threonine.
Molecular consequence: missense variant.
Genome position (GRCh38, 1-based): chr4:6,300,865, T>C. VCF-style: chr4-6300865-T-C. GRCh37 (hg19) VCF-style: chr4-6302592-T-C.
Other names: c.1070T>C, p.Met357Thr (NM_001145853.1); short protein forms M357T.
Identifiers: ClinVar variation 3671232 (VCV003671232.2).

ClinVar aggregate classification (germline): Uncertain significance (1 of 4 stars; one submission).

Submission:

Labcorp Genetics (formerly Invitae), Labcorp
Classification: Uncertain significance. Last evaluated: 2024-06-23. Review status: criteria provided, single submitter. Criteria: Invitae Variant Classification Sherloc (09022015). Collection method: clinical testing. Allele origin: germline.
Comment: This sequence change replaces methionine, which is neutral and non-polar, with threonine, which is neutral and polar, at codon 357 of the WFS1 protein (p.Met357Thr). This variant is not present in population databases (gnomAD no frequency). This variant has not been reported in the literature in individuals affected with WFS1-related conditions. Advanced modeling of protein sequence and biophysical properties (such as structural, functional, and spatial information, amino acid conservation, physicochemical variation, residue mobility, and thermodynamic stability) has been performed at Invitae for this missense variant, however the output from this modeling did not meet the statistical confidence thresholds required to predict the impact of this variant on WFS1 protein function. In summary, the available evidence is currently insufficient to determine the role of this variant in disease. Therefore, it has been classified as a Variant of Uncertain Significance.